The following is an entry in ClinVar:

ClinVar aggregate classification (germline): Benign (0 of 4 stars; one submission).

Conditions:
NECTIN3-related disorder. Also called: NECTIN3-related condition.

Allele frequency attached by ClinVar (database versions not stated): ESP Exome Variant Server 0.00032; gnomAD 0.00052; ExAC 0.00235.
gnomAD v4.1: 799 of 1,552,238 alleles (0.051%); highest among the groups gnomAD compares: Non-Finnish European, 0.013%; 7 homozygotes.

Submission:

PreventionGenetics, part of Exact Sciences
Classification: Benign for NECTIN3-related condition. Last evaluated: 2019-11-11. Review status: no assertion criteria provided. Collection method: clinical testing. Allele origin: germline.
Comment: This variant is classified as benign based on ACMG/AMP sequence variant interpretation guidelines (Richards et al. 2015 PMID: 25741868, with internal and published modifications).

NM_015480.3(NECTIN3):c.133C>T (p.Pro45Ser)

Gene: NECTIN3 (nectin cell adhesion molecule 3; plus strand). Cytogenetic location: 3q13.13.
Variant type: single nucleotide variant.
Coding change: c.133C>T on transcript NM_015480.3 (MANE Select); coding-DNA position 133, C replaced by T.
Protein change: p.Pro45Ser; replaces proline 45 with serine.
Molecular consequence: missense variant. On other transcripts: 5 prime UTR variant (1).
Genome position (GRCh38, 1-based): chr3:111,072,150, C>T. VCF-style: chr3-111072150-C-T. GRCh37 (hg19) VCF-style: chr3-110790997-C-T.
Other names: c.133C>T, p.Pro45Ser (NM_001243286.2); c.-270C>T (NM_001243288.2); short protein forms P45S.
Identifiers: ClinVar variation 3045238 (VCV003045238.2), dbSNP rs200790665, ClinGen allele CA2533645.